The following is an entry in ClinVar:

ClinVar aggregate classification (germline): Uncertain significance (1 of 4 stars; one submission).

Conditions:
Common variable immunodeficiency (CVID). Also called: Common variable hypogamma-globulinemia; Common variable agammaglobulinemia. Identifiers: Orphanet 1572, MedGen C0009447, MONDO:0015517.

Allele frequency attached by ClinVar (database versions not stated): gnomAD exomes below 0.00001.
gnomAD v4.1: 1 of 1,555,200 alleles (0.000064%); highest among the groups gnomAD compares: Non-Finnish European, 0.000087%; no homozygotes.

Submission:

Labcorp Genetics (formerly Invitae), Labcorp
Classification: Uncertain significance for Common variable immunodeficiency. Last evaluated: 2024-03-20. Review status: criteria provided, single submitter. Criteria: Invitae Variant Classification Sherloc (09022015). Collection method: clinical testing. Allele origin: germline.
Comment: This sequence change replaces glutamic acid, which is acidic and polar, with lysine, which is basic and polar, at codon 152 of the TNFSF12 protein (p.Glu152Lys). This variant is not present in population databases (gnomAD no frequency). This variant has not been reported in the literature in individuals affected with TNFSF12-related conditions. Algorithms developed to predict the effect of missense changes on protein structure and function output the following: SIFT: "Not Available"; PolyPhen-2: "Benign"; Align-GVGD: "Not Available". The lysine amino acid residue is found in multiple mammalian species, which suggests that this missense change does not adversely affect protein function. In summary, the available evidence is currently insufficient to determine the role of this variant in disease. Therefore, it has been classified as a Variant of Uncertain Significance.

NM_003809.3(TNFSF12):c.454G>A (p.Glu152Lys)

Genes: TNFSF12 (TNF superfamily member 12; plus strand), TNFSF12-TNFSF13 (TNFSF12-TNFSF13 readthrough; plus strand). Cytogenetic location: 17p13.1.
Variant type: single nucleotide variant.
Coding change: c.454G>A on transcript NM_003809.3 (MANE Select); coding-DNA position 454, G replaced by A.
Protein change: p.Glu152Lys; replaces glutamic acid 152 with lysine.
Molecular consequence: missense variant. On other transcripts: non-coding transcript variant (1).
Genome position (GRCh38, 1-based): chr17:7,556,858, G>A. VCF-style: chr17-7556858-G-A. GRCh37 (hg19) VCF-style: chr17-7460175-G-A.
Other names: c.454G>A, p.Glu152Lys (NM_172089.4); short protein forms E152K.
Identifiers: ClinVar variation 2703005 (VCV002703005.3), dbSNP rs2508358551, ClinGen allele CA397861362.